The following is an entry in ClinVar:

ClinVar aggregate classification (germline): Pathogenic (1 of 4 stars; one submission).

Conditions:
Infantile-onset ascending hereditary spastic paralysis (IAHSP). Also called: Autosomal Recessive Juvenile Amyotrophic Lateral Sclerosis; Infantile-Onset Ascending Hereditary Spastic Paralysis (IAHSP). Identifiers: Orphanet 293168, MedGen C2931441, MONDO:0011797, OMIM 607225. Disease mechanism: loss of function.

Submission:

Labcorp Genetics (formerly Invitae), Labcorp
Classification: Pathogenic for Infantile-onset ascending hereditary spastic paralysis. Last evaluated: 2023-04-15. Review status: criteria provided, single submitter. Criteria: Invitae Variant Classification Sherloc (09022015). Collection method: clinical testing. Allele origin: germline.
Comment: For these reasons, this variant has been classified as Pathogenic. This variant has not been reported in the literature in individuals affected with ALS2-related conditions. This variant is not present in population databases (gnomAD no frequency). This sequence change creates a premature translational stop signal (p.Ser1267Lysfs*4) in the ALS2 gene. It is expected to result in an absent or disrupted protein product. Loss-of-function variants in ALS2 are known to be pathogenic (PMID: 11586298, 24315819).

Literature cited by the submitters: PubMed 11586298; PubMed 24315819.

NM_020919.4(ALS2):c.3799dup (p.Ser1267fs)

Gene: ALS2 (alsin Rho guanine nucleotide exchange factor ALS2; minus strand). Cytogenetic location: 2q33.1.
Variant type: Duplication.
Coding change: c.3799dup on transcript NM_020919.4 (MANE Select); coding-DNA position 3799, one base duplicated (A; older notation c.3799dupA).
Protein change: p.Ser1267fs; shifts the reading frame from serine 1267.
Molecular consequence: frameshift variant.
Genome position (GRCh38, 1-based): chr2:201,718,114, T duplicated on the plus strand (A on the coding strand, the reverse complement: ALS2 is on the minus strand). VCF-style (leftmost placement, unchanged base first): chr2-201718113-C-CT. GRCh37 (hg19) VCF-style: chr2-202582836-C-CT.
Other names: c.3799dup, p.Ser1267fs (NM_001410975.1); short protein forms S1267fs.
Identifiers: ClinVar variation 2856462 (VCV002856462.3), dbSNP rs2469734144, ClinGen allele CA2739278380.